The following is an entry in ClinVar:

NM_015208.5(ANKRD12):c.5078C>G (p.Ser1693Ter)

Gene: ANKRD12 (ankyrin repeat domain 12; plus strand). Cytogenetic location: 18p11.22.
Variant type: single nucleotide variant.
Coding change: c.5078C>G on transcript NM_015208.5 (MANE Select); coding-DNA position 5078, C replaced by G.
Protein change: p.Ser1693Ter; replaces serine 1693 with a stop codon.
Molecular consequence: nonsense.
Genome position (GRCh38, 1-based): chr18:9,258,345, C>G. VCF-style: chr18-9258345-C-G. GRCh37 (hg19) VCF-style: chr18-9258343-C-G.
Other names: c.5009C>G, p.Ser1670Ter (NM_001083625.3, NM_001204056.1); short protein forms S1670*, S1693*.
Identifiers: ClinVar variation 3033713 (VCV003033713.2), dbSNP rs1409202613, ClinGen allele CA401886545.

ClinVar aggregate classification (germline): Uncertain significance (0 of 4 stars; one submission).

Conditions:
ANKRD12-related disorder. Also called: ANKRD12-related condition.

Submission:

PreventionGenetics, part of Exact Sciences
Classification: Uncertain significance for ANKRD12-related condition. Last evaluated: 2024-01-19. Review status: no assertion criteria provided. Collection method: clinical testing. Allele origin: germline.
Comment: The ANKRD12 c.5078C>G variant is predicted to result in premature protein termination (p.Ser1693*). To our knowledge, this variant has not been reported in the literature or in a large population database, indicating this variant is rare. Since the gene-disease association is currently considered provisional, at this time, the clinical significance of this variant is uncertain due to the absence of conclusive functional and genetic evidence.